The following is an entry in ClinVar:

NM_000522.5(HOXA13):c.175C>T (p.Pro59Ser)

Genes: HOXA13 (homeobox A13; minus strand), LOC107126288 (NUP98-HOXA13 recombination region; plus strand). Cytogenetic location: 7p15.2.
Variant type: single nucleotide variant.
Coding change: c.175C>T on transcript NM_000522.5 (MANE Select); coding-DNA position 175, C replaced by T.
Protein change: p.Pro59Ser; replaces proline 59 with serine.
Molecular consequence: missense variant.
Genome position (GRCh38, 1-based): chr7:27,199,903, G>A on the plus strand (C>T on the coding strand, the complement: HOXA13 is on the minus strand). VCF-style: chr7-27199903-G-A. GRCh37 (hg19) VCF-style: chr7-27239522-G-A.
Other names: c.175C>T (NM_000522.4); short protein forms P59S.
Identifiers: ClinVar variation 1438660 (VCV001438660.10), dbSNP rs747262113, ClinGen allele CA367075894.
Genomic context (GRCh38, chr7:27,199,903, plus strand): 5'-CAGCCGCGGCCGCCGCCGCCACCGAGAAGTTGCCCCCTGCCGCCGCAGCCGCCGGGTGGG[G>A]GAAGCCCCCGCCCCCGGCCCCGGCAGCCGCCGCCGCTGCAGCCGCTGCTGCAGCCGCCGC-3'
Protein context (NP_000513.2, residues 49-69): AAAGAGGGGF[Pro59Ser]HPAAAAAGGN

ClinVar aggregate classification (germline): Uncertain significance. Review status: criteria provided, multiple submitters, no conflicts (2 of 4 stars). 3 submissions from 3 submitters: Uncertain significance (3). Last evaluated 2025-04-04.

Conditions:
Guttmacher syndrome. Identifiers: Orphanet 2957, MedGen C1867801, MONDO:0008301, OMIM 176305.
Hand-foot-genital syndrome (HFG). Also called: Hand-Foot-Uterus Syndrome; HFU syndrome; HFG syndrome. Identifiers: Orphanet 2438, MedGen C1841679, MONDO:0007698, OMIM 140000.
Inborn genetic diseases. Identifiers: MedGen C0950123, MeSH D030342.

Submissions (3):

Ambry Genetics
Classification: Uncertain significance for Inborn genetic diseases. Last evaluated: 2025-04-04. Review status: criteria provided, single submitter. Criteria: Ambry Variant Classification Scheme 2023. Collection method: clinical testing. Allele origin: germline.

Fulgent Genetics
Classification: Uncertain significance for Hand-foot-genital syndrome; Guttmacher syndrome. Last evaluated: 2022-02-17. Review status: criteria provided, single submitter. Criteria: ACMG Guidelines, 2015. Collection method: clinical testing. Allele origin: unknown.

Labcorp Genetics (formerly Invitae), Labcorp
Classification: Uncertain significance. Last evaluated: 2021-09-20. Review status: criteria provided, single submitter. Criteria: Invitae Variant Classification Sherloc (09022015). Collection method: clinical testing. Allele origin: germline.
Comment: In summary, the available evidence is currently insufficient to determine the role of this variant in disease. Therefore, it has been classified as a Variant of Uncertain Significance. This sequence change replaces proline with serine at codon 59 of the HOXA13 protein (p.Pro59Ser). The proline residue is weakly conserved and there is a moderate physicochemical difference between proline and serine. The frequency data for this variant in the population databases is considered unreliable, as metrics indicate insufficient coverage at this position in the ExAC database. This variant has not been reported in the literature in individuals affected with HOXA13-related conditions. Algorithms developed to predict the effect of missense changes on protein structure and function are either unavailable or do not agree on the potential impact of this missense change (SIFT: "Tolerated"; PolyPhen-2: "Not Available"; Align-GVGD: "Class C0").